The following is an entry in ClinVar:

NM_198565.3(NRROS):c.1222A>C (p.Asn408His)

Gene: NRROS (negative regulator of reactive oxygen species; plus strand). Cytogenetic location: 3q29.
Variant type: single nucleotide variant.
Coding change: c.1222A>C on transcript NM_198565.3 (MANE Select); coding-DNA position 1222, A replaced by C.
Protein change: p.Asn408His; replaces asparagine 408 with histidine.
Molecular consequence: missense variant.
Genome position (GRCh38, 1-based): chr3:196,660,865, A>C. VCF-style: chr3-196660865-A-C. GRCh37 (hg19) VCF-style: chr3-196387736-A-C.
Other names: c.1222A>C (NM_198565.2); short protein forms N408H.
Identifiers: ClinVar variation 1328539 (VCV001328539.6), dbSNP rs2108643995, ClinGen allele CA355632074.
Genomic context (GRCh38, chr3:196,660,865, plus strand): 5'-CTGTCGGAGCTGCACCTGGCTCCGGGGCTGGCCAGCTGCCTGGGCAGCCTGCGCTTGTTC[A>C]ACCTGAGCTCCAACCAGCTCCTGGGCGTCCCCCCTGGCCTCTTCGCCAATGCTAGGAACA-3'
Protein context (NP_940967.1, residues 398-418): ASCLGSLRLF[Asn408His]LSSNQLLGVP

ClinVar aggregate classification (germline): Uncertain significance. Review status: criteria provided, multiple submitters, no conflicts (2 of 4 stars). 3 submissions from 3 submitters: Uncertain significance (2). 1 of the submissions does not count toward it. Last evaluated 2022-10-10.

Conditions:
Seizures, early-onset, with neurodegeneration and brain calcifications. Identifiers: MedGen C5394359, MONDO:0030033, OMIM 618875.

Submissions (3):

GeneDx
Classification: Uncertain significance. Last evaluated: 2022-10-10. Review status: criteria provided, single submitter. Criteria: GeneDx Variant Classification Process June 2021. Collection method: clinical testing. Allele origin: germline. Affected: yes.
Comment: Not observed at significant frequency in large population cohorts (gnomAD); In silico analysis supports that this missense variant does not alter protein structure/function; Has not been previously published as pathogenic or benign to our knowledge; This variant is associated with the following publications: (PMID: 27535533)

Illumina Laboratory Services, Illumina
Classification: Uncertain significance for Seizures, early-onset, with neurodegeneration and brain calcifications. Last evaluated: 2021-06-16. Review status: criteria provided, single submitter. Criteria: ICSLVariantClassificationCriteria RUGD 01 April 2020. Collection method: clinical testing. Allele origin: unknown.
Comment: The NRROS c.1222A>C (p.Asn408His) variant is a missense variant. A literature search was performed for the gene, cDNA change, and amino acid change. No publications were found based on this search. This variant is not found in version 2.1.1 or version 3.1.1 of the Genome Aggregation Database despite its location in a region of good sequencing coverage, which suggests the variant is rare. Based on the limited evidence, the p.Asn408His variant is classified as a variant of uncertain significance for early-onset seizures with neurodegeneration and brain calcification.

Wendy Chung Laboratory, Boston Children's Hospital
Classification: Uncertain significance for Seizures, early-onset, with neurodegeneration and brain calcifications. Last evaluated: 2022-08-02. Review status: no assertion criteria provided. Collection method: clinical testing. Allele origin: biparental. Affected: yes. Not counted in ClinVar's aggregate classification.